The following is an entry in ClinVar:

NM_000127.3(EXT1):c.335del (p.Asn112fs)

Gene: EXT1 (exostosin glycosyltransferase 1; minus strand). Cytogenetic location: 8q24.11.
Variant type: Deletion.
Coding change: c.335del on transcript NM_000127.3 (MANE Select); coding-DNA position 335, one base deleted (A; older notation c.335delA).
Protein change: p.Asn112fs; shifts the reading frame from asparagine 112.
Molecular consequence: frameshift variant.
Genome position (GRCh38, 1-based): chr8:118,110,712, T deleted on the plus strand (A on the coding strand, the reverse complement: EXT1 is on the minus strand); the first of 5 consecutive T bases (chr8:118,110,712-118,110,716); deleting any one gives the same sequence. VCF-style (leftmost placement, unchanged base first): chr8-118110711-GT-G. GRCh37 (hg19) VCF-style: chr8-119122950-GT-G.
Other names: c.335delA (NM_000127.2); short protein forms N112fs.
Identifiers: ClinVar variation 2631453 (VCV002631453.1), dbSNP rs2488052574, ClinGen allele CA2695201514.

ClinVar aggregate classification (germline): Pathogenic (1 of 4 stars; one submission).

Conditions:
EXT1-related disorder. Also called: EXT1-related condition.

Submission:

PreventionGenetics, part of Exact Sciences
Classification: Pathogenic for EXT1-related condition. Last evaluated: 2023-07-06. Review status: criteria provided, single submitter. Criteria: ACMG Guidelines, 2015. Collection method: clinical testing. Allele origin: germline.
Comment: The EXT1 c.335delA variant is predicted to result in a frameshift and premature protein termination (p.Asn112Thrfs*24). This variant was reported in individuals with hereditary multiple exostoses or osteochondromas (Guo et al. 2014. PubMed ID: 24496678; Li et al. 2018. PubMed ID: 30334991). This variant has not been reported in a large population database, indicating this variant is rare. Frameshift variants in EXT1 are expected to be pathogenic. This variant is interpreted as pathogenic.